The following is an entry in ClinVar:

NM_005402.4(RALA):c.73G>A (p.Val25Met)

Gene: RALA (RAS like proto-oncogene A; plus strand). Cytogenetic location: 7p14.1.
Variant type: single nucleotide variant.
Coding change: c.73G>A on transcript NM_005402.4 (MANE Select); coding-DNA position 73, G replaced by A.
Protein change: p.Val25Met; replaces valine 25 with methionine.
Molecular consequence: missense variant.
Genome position (GRCh38, 1-based): chr7:39,686,740, G>A. VCF-style: chr7-39686740-G-A. GRCh37 (hg19) VCF-style: chr7-39726339-G-A.
Other names: short protein forms V25M.
Identifiers: ClinVar variation 521019 (VCV000521019.19), dbSNP rs1554297905, ClinGen allele CA367304555.

ClinVar aggregate classification (germline): Pathogenic/Likely pathogenic. Review status: criteria provided, multiple submitters, no conflicts (2 of 4 stars). 10 submissions from 10 submitters: Pathogenic (7); Likely pathogenic (2). 1 of the submissions does not count toward it. Last evaluated 2025-12-11.

Conditions:
Hiatt-Neu-Cooper neurodevelopmental syndrome. Identifiers: MedGen C5543338, MONDO:0859142, OMIM 619311.
RALA-related disorder. Also called: RALA-related condition.
Inborn genetic diseases. Identifiers: MedGen C0950123, MeSH D030342.
Intellectual disability. Also called: intellectual disabilities; Intellectual functioning disability; Intellectual developmental disorder. Identifiers: MedGen C3714756, MeSH D008607, MONDO:0001071, HP:0001249.

Allele frequency attached by ClinVar (database versions not stated): gnomAD exomes below 0.00001; TOPMed below 0.00001.
gnomAD v4.1: 1 of 1,614,116 alleles (0.000062%); highest among the groups gnomAD compares: Non-Finnish European, 0.000085%; no homozygotes.

Submissions (10):

Medical and Scientific Branch, Hong Kong Genome Institute
Classification: Likely pathogenic for Hiatt-Neu-Cooper neurodevelopmental syndrome. Last evaluated: 2025-12-11. Review status: criteria provided, single submitter. Criteria: ACMG Guidelines, 2015. Collection method: clinical testing. Allele origin: de novo. Affected: yes.

Labcorp Genetics (formerly Invitae), Labcorp
Classification: Pathogenic. Last evaluated: 2025-05-12. Review status: criteria provided, single submitter. Criteria: Invitae Variant Classification Sherloc (09022015). Collection method: clinical testing. Allele origin: germline.
Comment: This sequence change replaces valine, which is neutral and non-polar, with methionine, which is neutral and non-polar, at codon 25 of the RALA protein (p.Val25Met). This variant is not present in population databases (gnomAD no frequency). This missense change has been observed in individual(s) with RALA-related conditions (PMID: 30500825, 30761613). In at least one individual the variant was observed to be de novo. ClinVar contains an entry for this variant (Variation ID: 521019). Invitae Evidence Modeling of protein sequence and biophysical properties (such as structural, functional, and spatial information, amino acid conservation, physicochemical variation, residue mobility, and thermodynamic stability) indicates that this missense variant is expected to disrupt RALA protein function with a positive predictive value of 95%. Experimental studies have shown that this missense change affects RALA function (PMID: 30500825). For these reasons, this variant has been classified as Pathogenic.

Blueprint Genetics
Classification: Pathogenic for RALA-related disorders. Last evaluated: 2024-09-11. Review status: criteria provided, single submitter. Criteria: ACMG Guidelines, 2015. Collection method: clinical testing. Allele origin: germline. Affected: yes. Observed: 2 variant alleles.

GeneDx
Classification: Pathogenic. Last evaluated: 2024-04-17. Review status: criteria provided, single submitter. Criteria: GeneDx Variant Classification Process June 2021. Collection method: clinical testing. Allele origin: germline. Affected: yes.
Comment: Published functional studies demonstrate a damaging effect with altered GTPase activity and effector protein binding (PMID: 30500825); Not observed at significant frequency in large population cohorts (gnomAD); In silico analysis supports that this missense variant has a deleterious effect on protein structure/function; This variant is associated with the following publications: (PMID: 30500825, 30761613, 29346770, 33875846, 34615535, 33057194, 35982159)

Victorian Clinical Genetics Services, Murdoch Childrens Research Institute
Classification: Pathogenic for Hiatt-Neu-Cooper neurodevelopmental syndrome. Last evaluated: 2023-07-17. Review status: criteria provided, single submitter. Criteria: ACMG Guidelines, 2015. Collection method: clinical testing. Allele origin: germline. Inheritance: Autosomal dominant inheritance. Affected: yes.
Comment: Based on the classification scheme VCGS_Germline_v1.3.4, this variant is classified as Pathogenic. Following criteria are met: 0102 - Loss of function is a known mechanism of disease in this gene and is associated with Hiatt-Neu-Cooper neurodevelopmental syndrome (MIM#619311). However, gain of function is also suspected (PMID: 30500825). (I) 0107 - This gene is associated with autosomal dominant disease. (I) 0200 - Variant is predicted to result in a missense amino acid change from valine to methionine. (I) 0251 - This variant is heterozygous. (I) 0301 - Variant is absent from gnomAD (both v2 and v3). (SP) 0501 - Missense variant consistently predicted to be damaging by multiple in silico tools or highly conserved with a major amino acid change. (SP) 0603 - Missense variant in a region that is highly intolerant to missense variation (high constraint region in DECIPHER). (SP) 0703 - Another missense variant comparable to the one identified in this case has moderate previous evidence for pathogenicity. This alternative change (p.(Val25Leu)) has been reported as pathogenic (ClinVar), and observed as de novo in monozygotic twins with profound intellectual disability, absent speech and an abnormal MRI (PMID: 30500825). (SP) 0801 - This variant has strong previous evidence of pathogenicity in unrelated individuals. This variant has been reported as pathogenic (LOVD, ClinVar), and observed in at least three de novo individuals with intellectual disability and speech delay (PMID: 30500825). (SP) 1208 - Inheritance information for this variant is not currently available in this individual. (I) Legend: (SP) - Supporting pathogenic, (I) - Information, (SB) - Supporting benign

Institute for Clinical Genetics, University Hospital TU Dresden, University Hospital TU Dresden
Classification: Pathogenic. Last evaluated: 2021-11-03. Review status: criteria provided, single submitter. Criteria: ACMG Guidelines, 2015. Collection method: clinical testing. Allele origin: germline.

Ambry Genetics
Classification: Pathogenic for Inborn genetic diseases. Last evaluated: 2019-07-18. Review status: criteria provided, single submitter. Criteria: Ambry exome assertion method (8-5-2015). Collection method: clinical testing. Allele origin: germline. Affected: yes. Observed: 1 variant allele.

HudsonAlpha Institute for Biotechnology
Classification: Pathogenic. Last evaluated: 2019-03-29. Review status: criteria provided, single submitter. Criteria: ACMG Guidelines, 2015. Collection method: research. Allele origin: de novo. Affected: yes. Observed: 1 variant allele.

Equipe Genetique des Anomalies du Developpement, Université de Bourgogne
Classification: Likely pathogenic for Intellectual disability. Review status: criteria provided, single submitter. Criteria: ACMG Guidelines, 2015. Collection method: research. Allele origin: de novo. Affected: yes.

OMIM
Classification: Pathogenic for HIATT-NEU-COOPER NEURODEVELOPMENTAL SYNDROME. Last evaluated: 2021-05-06. Review status: no assertion criteria provided. Collection method: literature only. Allele origin: germline. Not counted in ClinVar's aggregate classification.

Literature cited by the submitters: PubMed 30500825 (cited by 5 submitters); PubMed 30761613 (cited by 3 submitters); PubMed 11701921 (cited by Ambry Genetics); PubMed 15980073 (cited by Ambry Genetics); PubMed 15950903 (cited by Ambry Genetics).